The following is an entry in ClinVar:

NM_032273.4(TMEM126A):c.80C>G (p.Ala27Gly)

Gene: TMEM126A (transmembrane protein 126A; plus strand). Cytogenetic location: 11q14.1.
Variant type: single nucleotide variant.
Coding change: c.80C>G on transcript NM_032273.4 (MANE Select); coding-DNA position 80, C replaced by G.
Protein change: p.Ala27Gly; replaces alanine 27 with glycine.
Molecular consequence: missense variant. On other transcripts: intron variant (1).
Genome position (GRCh38, 1-based): chr11:85,650,335, C>G. VCF-style: chr11-85650335-C-G. GRCh37 (hg19) VCF-style: chr11-85361379-C-G.
Other names: c.80C>G (NM_032273.3); c.-125+2246C>G (NM_001244735.2); short protein forms A27G.
Identifiers: ClinVar variation 1042234 (VCV001042234.12), dbSNP rs746123060, ClinGen allele CA6212669.
Genomic context (GRCh38, chr11:85,650,335, plus strand): 5'-ATAATAAGGAAAACATAACAATTGTTGATATATCCAGAAAAATTAACCAGCTTCCAGAAG[C>G]AGAAAGGTAAGATCCCTTCTTAATTTAAAAACACCTTTTATCAGGTGGATTTTCACCATT-3'
Protein context (NP_115649.1, residues 17-37): ISRKINQLPE[Ala27Gly]ERNLLENGSV

ClinVar aggregate classification (germline): Uncertain significance. Review status: criteria provided, multiple submitters, no conflicts (2 of 4 stars). 2 submissions from 2 submitters: Uncertain significance (2). Last evaluated 2025-05-20.

Allele frequency attached by ClinVar (database versions not stated): gnomAD exomes below 0.00001; ExAC 0.00001.
gnomAD v4.1: 1 of 1,600,894 alleles (0.000062%); highest among the groups gnomAD compares: Admixed American, 0.0017%; no homozygotes.

Submissions (2):

Ambry Genetics
Classification: Uncertain significance. Last evaluated: 2025-05-20. Review status: criteria provided, single submitter. Criteria: Ambry Variant Classification Scheme 2023. Collection method: clinical testing. Allele origin: germline.

Labcorp Genetics (formerly Invitae), Labcorp
Classification: Uncertain significance. Last evaluated: 2021-03-09. Review status: criteria provided, single submitter. Criteria: Invitae Variant Classification Sherloc (09022015). Collection method: clinical testing. Allele origin: germline.
Comment: In summary, the available evidence is currently insufficient to determine the role of this variant in disease. Therefore, it has been classified as a Variant of Uncertain Significance. Algorithms developed to predict the effect of missense changes on protein structure and function (SIFT, PolyPhen-2, Align-GVGD) all suggest that this variant is likely to be tolerated, but these predictions have not been confirmed by published functional studies and their clinical significance is uncertain. This variant has not been reported in the literature in individuals with TMEM126A-related conditions. This variant is present in population databases (rs746123060, ExAC 0.009%). This sequence change replaces alanine with glycine at codon 27 of the TMEM126A protein (p.Ala27Gly). The alanine residue is weakly conserved and there is a small physicochemical difference between alanine and glycine.